The following is an entry in ClinVar:

NM_080680.3(COL11A2):c.4521G>A (p.Gln1507=)

Gene: COL11A2 (collagen type XI alpha 2 chain; minus strand). Cytogenetic location: 6p21.32.
Variant type: single nucleotide variant.
Coding change: c.4521G>A on transcript NM_080680.3 (MANE Select); coding-DNA position 4521, G replaced by A.
Protein change: p.Gln1507=; no amino-acid change (glutamine 1507 retained).
Molecular consequence: synonymous variant.
Genome position (GRCh38, 1-based): chr6:33,165,778, C>T on the plus strand (G>A on the coding strand, the complement: COL11A2 is on the minus strand). VCF-style: chr6-33165778-C-T. GRCh37 (hg19) VCF-style: chr6-33133555-C-T.
Other names: p.Gln1507=; c.4200G>A, p.Gln1400= (NM_080679.3); c.4263G>A, p.Gln1421= (NM_080681.3).
Identifiers: ClinVar variation 162977 (VCV000162977.64), dbSNP rs114580597, ClinGen allele CA175559.

ClinVar aggregate classification (germline): Benign/Likely benign. Review status: criteria provided, multiple submitters, no conflicts (2 of 4 stars). 13 submissions from 12 submitters: Benign (2); Likely benign (9). 2 of the submissions do not count toward it. Last evaluated 2026-04-01.

Conditions:
Connective tissue disorder. Also called: Connective tissue disease. Identifiers: MedGen C0009782, MONDO:0003900.
Fibrochondrogenesis 2 (FBCG2). Identifiers: Orphanet 2021, MedGen C3281128, MONDO:0013795, OMIM 614524.
Otospondylomegaepiphyseal dysplasia, autosomal recessive (OSMEDB). Also called: CHONDRODYSTROPHY WITH SENSORINEURAL DEAFNESS; Insley-Astley syndrome. Identifiers: Orphanet 1427, MedGen CN034493, MONDO:0044206, OMIM 215150.

Allele frequency attached by ClinVar (database versions not stated): 1000 Genomes Project 30x 0.00078; 1000 Genomes Project 0.00080; gnomAD exomes 0.00162 and 0.00326; ExAC 0.00170; TOPMed 0.00178; gnomAD 0.00179 and 0.00182; ESP Exome Variant Server 0.00284.
gnomAD v4.1: 4,947 of 1,613,348 alleles (0.31%); highest among the groups gnomAD compares: Non-Finnish European, 0.4%; 9 homozygotes.

Submissions (13):

CeGaT Center for Human Genetics Tuebingen
Classification: Likely benign. Last evaluated: 2026-04-01. Review status: criteria provided, single submitter. Criteria: CeGaT Center For Human Genetics Tuebingen Variant Classification Criteria Version 2. Collection method: clinical testing. Allele origin: germline. Affected: yes. Observed: 8 variant alleles.
Comment: COL11A2: BP4, BP7

Labcorp Genetics (formerly Invitae), Labcorp
Classification: Benign. Last evaluated: 2026-02-01. Review status: criteria provided, single submitter. Criteria: Invitae Variant Classification Sherloc (09022015). Collection method: clinical testing. Allele origin: germline.

Mayo Clinic Laboratories, Mayo Clinic
Classification: Likely benign. Last evaluated: 2025-06-10. Review status: criteria provided, single submitter. Criteria: ACMG Guidelines, 2015. Collection method: clinical testing. Allele origin: germline. Observed: 2 variant alleles.
Comment: BS1, BP4, BP7

Blueprint Genetics
Classification: Likely benign. Last evaluated: 2024-11-26. Review status: criteria provided, single submitter. Criteria: ACMG Guidelines, 2015. Collection method: clinical testing. Allele origin: germline.

Genome Diagnostics Laboratory, The Hospital for Sick Children
Classification: Likely benign for Connective tissue disorder. Last evaluated: 2021-07-19. Review status: criteria provided, single submitter. Criteria: ACMG Guidelines, 2015. Collection method: clinical testing. Allele origin: germline.

Illumina Laboratory Services, Illumina
Classification: Likely benign for Fibrochondrogenesis 2. Last evaluated: 2018-01-12. Review status: criteria provided, single submitter. Criteria: ICSL Variant Classification Criteria 13 December 2019. Collection method: clinical testing. Allele origin: germline.
Comment: This variant was observed in the ICSL laboratory as part of a predisposition screen in an ostensibly healthy population. It had not been previously curated by ICSL or reported in the Human Gene Mutation Database (HGMD: prior to June 1st, 2018), and was therefore a candidate for classification through an automated scoring system. Utilizing variant allele frequency, disease prevalence and penetrance estimates, and inheritance mode, an automated score was calculated to assess if this variant is too frequent to cause the disease. Based on the score and internal cut-off values, a variant classified as likely benign is not then subjected to further curation. The score for this variant resulted in a classification of likely benign for this disease.

Illumina Laboratory Services, Illumina
Classification: Likely benign for Otospondylomegaepiphyseal dysplasia, autosomal recessive. Last evaluated: 2018-01-12. Review status: criteria provided, single submitter. Criteria: ICSL Variant Classification Criteria 13 December 2019. Collection method: clinical testing. Allele origin: germline.
Comment: the same text as in the submission from Illumina Laboratory Services, Illumina above.

GeneDx
Classification: Likely benign. Last evaluated: 2017-12-12. Review status: criteria provided, single submitter. Criteria: GeneDx Variant Classification (06012015). Collection method: clinical testing. Allele origin: germline. Affected: yes.
Comment: This variant is considered likely benign or benign based on one or more of the following criteria: it is a conservative change, it occurs at a poorly conserved position in the protein, it is predicted to be benign by multiple in silico algorithms, and/or has population frequency not consistent with disease.

Center for Human Genetics, Inc
Classification: Likely benign for Connective tissue disorder. Last evaluated: 2016-11-01. Review status: criteria provided, single submitter. Criteria: ACMG Guidelines, 2015. Collection method: clinical testing. Allele origin: germline. Affected: yes.

Eurofins Ntd Llc (ga)
Classification: Likely benign. Last evaluated: 2016-09-13. Review status: criteria provided, single submitter. Criteria: EGL Classification Definitions 2015. Collection method: clinical testing. Allele origin: germline. Observed: 1 variant allele, 1 heterozygote.

Laboratory for Molecular Medicine, Mass General Brigham Personalized Medicine
Classification: Benign. Last evaluated: 2012-04-30. Review status: criteria provided, single submitter. Criteria: LMM Criteria. Collection method: clinical testing. Allele origin: germline. Observed: 11 variant alleles.
Comment: Gln1507Gln in Exon 63 of COL11A2: This variant is not expected to have clinical significance because it does not alter an amino acid residue, is not located wit hin the splice consensus sequence, and has been identified in 0.4% (26/7020) of European American chromosomes from a broad population by the NHLBI Exome Sequenc ing Project (dbSNP rs114580597).

Clinical Genetics DNA and cytogenetics Diagnostics Lab, Erasmus MC, Erasmus Medical Center
Classification: Likely benign. Review status: no assertion criteria provided. Collection method: clinical testing. Allele origin: germline. Affected: yes. Study: VKGL Data-share Consensus. Not counted in ClinVar's aggregate classification.

Joint Genome Diagnostic Labs from Nijmegen and Maastricht, Radboudumc and MUMC+
Classification: Likely benign. Review status: no assertion criteria provided. Collection method: clinical testing. Allele origin: germline. Affected: yes. Study: VKGL Data-share Consensus. Not counted in ClinVar's aggregate classification.